The following is an entry in ClinVar:

ClinVar aggregate classification (germline): Uncertain significance. Review status: criteria provided, multiple submitters, no conflicts (2 of 4 stars). 2 submissions from 2 submitters: Uncertain significance (2). Last evaluated 2025-11-20.

Conditions:
Inborn genetic diseases. Identifiers: MedGen C0950123, MeSH D030342.

Allele frequency attached by ClinVar (database versions not stated): gnomAD exomes below 0.00001.

Submissions (2):

Ambry Genetics
Classification: Uncertain significance for Inborn genetic diseases. Last evaluated: 2025-11-20. Review status: criteria provided, single submitter. Criteria: Ambry Variant Classification Scheme 2023. Collection method: clinical testing. Allele origin: germline.

GeneDx
Classification: Uncertain significance. Last evaluated: 2020-01-10. Review status: criteria provided, single submitter. Criteria: GeneDx Variant Classification Process June 2021. Collection method: clinical testing. Allele origin: germline. Affected: yes.
Comment: Not observed in large population cohorts (Lek et al., 2016); Has not been previously published as pathogenic or benign to our knowledge; In silico analysis, which includes protein predictors and evolutionary conservation, supports a deleterious effect; In addition, in silico splice predictors suggest this variant may lead to abnormal gene splicing. In the absence of RNA/functional studies, the actual effect of this sequence change is unknown

NM_182641.4(BPTF):c.635A>G (p.His212Arg)

Gene: BPTF (bromodomain PHD finger transcription factor; plus strand). Cytogenetic location: 17q24.2.
Variant type: single nucleotide variant.
Coding change: c.635A>G on transcript NM_182641.4 (MANE Select); coding-DNA position 635, A replaced by G.
Protein change: p.His212Arg; replaces histidine 212 with arginine.
Molecular consequence: missense variant.
Genome position (GRCh38, 1-based): chr17:67,853,961, A>G. VCF-style: chr17-67853961-A-G. GRCh37 (hg19) VCF-style: chr17-65850077-A-G.
Other names: c.635A>G, p.His212Arg (NM_004459.7); c.635A>G (NM_182641.3); short protein forms H212R.
Identifiers: ClinVar variation 1311935 (VCV001311935.3), dbSNP rs1598260874, ClinGen allele CA400719569.